The following is an entry in ClinVar:

ClinVar aggregate classification (germline): Uncertain significance. Review status: criteria provided, multiple submitters, no conflicts (2 of 4 stars). 2 submissions from 2 submitters: Uncertain significance (2). Last evaluated 2024-05-28.

Conditions:
Inborn genetic diseases. Identifiers: MedGen C0950123, MeSH D030342.
Cornelia de Lange syndrome 5 (CDLS5). Also called: HDAC8-Related Cornelia de Lange Syndrome. Identifiers: Orphanet 199, MedGen C3550903, MONDO:0010471, OMIM 300882.

Allele frequency attached by ClinVar (database versions not stated): gnomAD 0.00001; TOPMed 0.00002.

Submissions (2):

Labcorp Genetics (formerly Invitae), Labcorp
Classification: Uncertain significance for Cornelia de Lange syndrome 5. Last evaluated: 2024-05-28. Review status: criteria provided, single submitter. Criteria: Invitae Variant Classification Sherloc (09022015). Collection method: clinical testing. Allele origin: germline.
Comment: This sequence change replaces aspartic acid, which is acidic and polar, with valine, which is neutral and non-polar, at codon 128 of the HDAC8 protein (p.Asp128Val). This variant is not present in population databases (gnomAD no frequency). This variant has not been reported in the literature in individuals affected with HDAC8-related conditions. ClinVar contains an entry for this variant (Variation ID: 2140697). Advanced modeling of protein sequence and biophysical properties (such as structural, functional, and spatial information, amino acid conservation, physicochemical variation, residue mobility, and thermodynamic stability) performed at Invitae indicates that this missense variant is not expected to disrupt HDAC8 protein function with a negative predictive value of 80%. In summary, the available evidence is currently insufficient to determine the role of this variant in disease. Therefore, it has been classified as a Variant of Uncertain Significance.

Ambry Genetics
Classification: Uncertain significance for Inborn genetic diseases. Last evaluated: 2023-11-03. Review status: criteria provided, single submitter. Criteria: Ambry Variant Classification Scheme 2023. Collection method: clinical testing. Allele origin: germline.

NM_018486.3(HDAC8):c.383A>T (p.Asp128Val)

Gene: HDAC8 (histone deacetylase 8; minus strand). Cytogenetic location: Xq13.1.
Variant type: single nucleotide variant.
Coding change: c.383A>T on transcript NM_018486.3 (MANE Select); coding-DNA position 383, A replaced by T.
Protein change: p.Asp128Val; replaces aspartic acid 128 with valine.
Molecular consequence: missense variant. On other transcripts: intron variant (2).
Genome position (GRCh38, 1-based): chrX:72,567,943, T>A on the plus strand (A>T on the coding strand, the complement: HDAC8 is on the minus strand). VCF-style: chrX-72567943-T-A. GRCh37 (hg19) VCF-style: chrX-71787793-T-A.
Other names: c.383A>T, p.Asp128Val (NM_001410727.1, NM_001410729.1, NM_001410730.1 and 4 more transcripts); c.164+4114A>T (NM_001166418.2, NM_001166448.2); c.383A>T (NM_018486.2); short protein forms D128V.
Identifiers: ClinVar variation 2140697 (VCV002140697.5), dbSNP rs1229113078, ClinGen allele CA413574251.
Genomic context (GRCh38, chrX:72,567,943, plus strand): 5'-TCTTACTTCTTTGCATGATGCCACCCTCCAGACCAGTTAATTGCTACTTTGCACATTCCG[T>A]CAATCAGGCATTGGGCAGCTGTGATCGTAGCCCCTCCTATAGCTGCTGCATAGTCAAATA-3'
Protein context (NP_060956.1, residues 118-138): ATITAAQCLI[Asp128Val]GMCKVAINWS